The following is an entry in ClinVar:

NM_080680.3(COL11A2):c.4442C>T (p.Pro1481Leu)

Gene: COL11A2 (collagen type XI alpha 2 chain; minus strand). Cytogenetic location: 6p21.32.
Variant type: single nucleotide variant.
Coding change: c.4442C>T on transcript NM_080680.3 (MANE Select); coding-DNA position 4442, C replaced by T.
Protein change: p.Pro1481Leu; replaces proline 1481 with leucine.
Molecular consequence: missense variant.
Genome position (GRCh38, 1-based): chr6:33,165,971, G>A on the plus strand (C>T on the coding strand, the complement: COL11A2 is on the minus strand). VCF-style: chr6-33165971-G-A. GRCh37 (hg19) VCF-style: chr6-33133748-G-A.
Other names: c.4262C>T, p.Pro1421Leu (NM_001424108.1); c.3596C>T, p.Pro1199Leu (NM_001424109.1); c.3416C>T, p.Pro1139Leu (NM_001424110.1, NM_001424111.1); c.2396C>T, p.Pro799Leu (NM_001424112.1); c.4121C>T, p.Pro1374Leu (NM_080679.3); c.4184C>T, p.Pro1395Leu (NM_080681.3); short protein forms P1139L, P1199L, P1374L, P1395L, P1421L, P1481L, P799L.
Identifiers: ClinVar variation 4801308 (VCV004801308.1).

ClinVar aggregate classification (germline): Uncertain significance (1 of 4 stars; one submission).

Submission:

Labcorp Genetics (formerly Invitae), Labcorp
Classification: Uncertain significance. Last evaluated: 2025-04-17. Review status: criteria provided, single submitter. Criteria: Invitae Variant Classification Sherloc (09022015). Collection method: clinical testing. Allele origin: germline.
Comment: This sequence change replaces proline, which is neutral and non-polar, with leucine, which is neutral and non-polar, at codon 1481 of the COL11A2 protein (p.Pro1481Leu). This variant is not present in population databases (gnomAD no frequency). This variant has not been reported in the literature in individuals affected with COL11A2-related conditions. Invitae Evidence Modeling of protein sequence and biophysical properties (such as structural, functional, and spatial information, amino acid conservation, physicochemical variation, residue mobility, and thermodynamic stability) indicates that this missense variant is not expected to disrupt COL11A2 protein function with a negative predictive value of 95%. In summary, the available evidence is currently insufficient to determine the role of this variant in disease. Therefore, it has been classified as a Variant of Uncertain Significance.